The following is an entry in ClinVar:

ClinVar aggregate classification (germline): Uncertain significance. Review status: criteria provided, multiple submitters, no conflicts (2 of 4 stars). 2 submissions from 2 submitters: Uncertain significance (2). Last evaluated 2026-04-28.

Conditions:
Inborn genetic diseases. Identifiers: MedGen C0950123, MeSH D030342.

gnomAD v4.1: 2 of 1,614,096 alleles (0.00012%); highest among the groups gnomAD compares: African/African-American, 0.0027%; no homozygotes.

Submissions (2):

Ambry Genetics
Classification: Uncertain significance for Inborn genetic diseases. Last evaluated: 2026-04-28. Review status: criteria provided, single submitter. Criteria: Ambry Variant Classification Scheme 2023. Collection method: clinical testing. Allele origin: germline.

Mayo Clinic Laboratories, Mayo Clinic
Classification: Uncertain significance. Last evaluated: 2025-09-30. Review status: criteria provided, single submitter. Criteria: ACMG Guidelines, 2015. Collection method: clinical testing. Allele origin: germline. Observed: 1 variant allele.
Comment: PP3, PM2_supporting

NM_000342.4(SLC4A1):c.2471A>C (p.Tyr824Ser)

Gene: SLC4A1 (solute carrier family 4 member 1 (Diego blood group); minus strand). Cytogenetic location: 17q21.31.
Variant type: single nucleotide variant.
Coding change: c.2471A>C on transcript NM_000342.4 (MANE Select); coding-DNA position 2471, A replaced by C.
Protein change: p.Tyr824Ser; replaces tyrosine 824 with serine.
Molecular consequence: missense variant.
Genome position (GRCh38, 1-based): chr17:44,251,429, T>G on the plus strand (A>C on the coding strand, the complement: SLC4A1 is on the minus strand). VCF-style: chr17-44251429-T-G. GRCh37 (hg19) VCF-style: chr17-42328797-T-G.
Other names: p.Tyr824Ser; c.2471A>C (NM_000342.3); short protein forms Y824S.
Identifiers: ClinVar variation 4542162 (VCV004542162.2).
Genomic context (GRCh38, chr17:44,251,429, plus strand): 5'-CCAGCACCCTCTACCACCCCAGGCTGGGCAGCCAGAAAAGGGTCCTGTACCCGCTTGACG[T>G]AGGGCACATCTGGGTGATACTTGGGTGGCTTGAACAGAAGCAAGATGCGGTCAAAGAGCT-3'
Protein context (NP_000333.1, residues 814-834): KPPKYHPDVP[Tyr824Ser]VKRVKTWRMH